The following is an entry in ClinVar:

ClinVar aggregate classification (germline): Benign/Likely benign. Review status: criteria provided, multiple submitters, no conflicts (2 of 4 stars). 5 submissions from 5 submitters: Benign (2); Likely benign (3). Last evaluated 2026-04-01.

Allele frequency attached by ClinVar (database versions not stated): gnomAD exomes 0.00036 and 0.00086; ExAC 0.00108; 1000 Genomes Project 0.00339; gnomAD 0.00354 and 0.00380; 1000 Genomes Project 30x 0.00359; ESP Exome Variant Server 0.00380; TOPMed 0.00439.
gnomAD v4.1: 1,108 of 1,606,618 alleles (0.069%); highest among the groups gnomAD compares: African/African-American, 1.3%; 9 homozygotes.

Submissions (5):

CeGaT Center for Human Genetics Tuebingen
Classification: Likely benign. Last evaluated: 2026-04-01. Review status: criteria provided, single submitter. Criteria: CeGaT Center For Human Genetics Tuebingen Variant Classification Criteria Version 2. Collection method: clinical testing. Allele origin: germline. Affected: yes. Observed: 1 variant allele.
Comment: FREM1: BP4, BS1

Labcorp Genetics (formerly Invitae), Labcorp
Classification: Benign. Last evaluated: 2025-12-26. Review status: criteria provided, single submitter. Criteria: Invitae Variant Classification Sherloc (09022015). Collection method: clinical testing. Allele origin: germline.

Mayo Clinic Laboratories, Mayo Clinic
Classification: Likely benign. Last evaluated: 2025-03-05. Review status: criteria provided, single submitter. Criteria: ACMG Guidelines, 2015. Collection method: clinical testing. Allele origin: germline. Observed: 1 variant allele.
Comment: BS1, BP4_moderate

Blueprint Genetics
Classification: Likely benign. Last evaluated: 2024-11-19. Review status: criteria provided, single submitter. Criteria: ACMG Guidelines, 2015. Collection method: clinical testing. Allele origin: germline.

Breakthrough Genomics
Classification: Benign. Review status: criteria provided, single submitter. Criteria: ACMG Guidelines, 2015. Collection method: not provided. Allele origin: germline. Inheritance: Autosomal recessive inheritance. Affected: yes.

Literature cited by the submitters: PubMed 31308072 (cited by Mayo Clinic Laboratories, Mayo Clinic).

NM_001379081.2(FREM1):c.5329A>G (p.Ile1777Val)

Gene: FREM1 (FRAS1 related extracellular matrix 1; minus strand). Cytogenetic location: 9p22.3.
Variant type: single nucleotide variant.
Coding change: c.5329A>G on transcript NM_001379081.2 (MANE Select); coding-DNA position 5329, A replaced by G.
Protein change: p.Ile1777Val; replaces isoleucine 1777 with valine.
Molecular consequence: missense variant. On other transcripts: non-coding transcript variant (2).
Genome position (GRCh38, 1-based): chr9:14,759,777, T>C on the plus strand (A>G on the coding strand, the complement: FREM1 is on the minus strand). VCF-style: chr9-14759777-T-C. GRCh37 (hg19) VCF-style: chr9-14759775-T-C.
Other names: p.Ile1777Val; c.937A>G, p.Ile313Val (NM_001177704.3, NM_001370058.2, NM_001370061.2); c.5329A>G, p.Ile1777Val (NM_144966.7); short protein forms I313V, I1777V.
Identifiers: ClinVar variation 722602 (VCV000722602.14), dbSNP rs73644847, ClinGen allele CA4989809.
Genomic context (GRCh38, chr9:14,759,777, plus strand): 5'-ACACCAAAGAACAACATAAGTTTTAGCTTGATAATTTACATTTCAGAGTCATTACCTTTA[T>C]ACCCACAAAGGCCGAGTCCATGGAATATCCCCTTCTGATAATTTCCAAGGGCAACAAACC-3'
Protein context (NP_001366010.1, residues 1767-1787): GYSMDSAFVG[Ile1777Val]KVNQVSAAVG